The following is an entry in ClinVar:

NM_024753.5(TTC21B):c.1565A>T (p.Asn522Ile)

Gene: TTC21B (tetratricopeptide repeat domain 21B; minus strand). Cytogenetic location: 2q24.3.
Variant type: single nucleotide variant.
Coding change: c.1565A>T on transcript NM_024753.5 (MANE Select); coding-DNA position 1565, A replaced by T.
Protein change: p.Asn522Ile; replaces asparagine 522 with isoleucine.
Molecular consequence: missense variant.
Genome position (GRCh38, 1-based): chr2:165,919,385, T>A on the plus strand (A>T on the coding strand, the complement: TTC21B is on the minus strand). VCF-style: chr2-165919385-T-A. GRCh37 (hg19) VCF-style: chr2-166775895-T-A.
Other names: short protein forms N522I.
Identifiers: ClinVar variation 3584621 (VCV003584621.2).

ClinVar aggregate classification (germline): Uncertain significance. Review status: criteria provided, multiple submitters, no conflicts (2 of 4 stars). 2 submissions from 2 submitters: Uncertain significance (2). Last evaluated 2025-06-27.

Conditions:
Nephronophthisis 12 (NPHP12). Identifiers: Orphanet 655, MedGen C3151186, MONDO:0013442, OMIM 613820.
Asphyxiating thoracic dystrophy 4 (SRTD4). Also called: SHORT-RIB THORACIC DYSPLASIA 4 WITH OR WITHOUT POLYDACTYLY; SHORT-RIB THORACIC DYSPLASIA 4. Identifiers: Orphanet 474, MedGen C3151185, MONDO:0013441, OMIM 613819.

gnomAD v4.1: 3 of 1,613,930 alleles (0.00019%); highest among the groups gnomAD compares: Non-Finnish European, 0.00017%; no homozygotes.

Submissions (2):

Clinical Genomics Laboratory, Washington University in St. Louis
Classification: Uncertain significance for Nephronophthisis 12. Last evaluated: 2025-06-27. Review status: criteria provided, single submitter. Criteria: ACMG Guidelines, 2015. Collection method: clinical testing. Allele origin: germline.
Comment: A TTC21B c.1565A>T (p.Asn522Ile) variant was identified. This variant, to our knowledge, has not been reported in medical literature. It is only observed in 1/31,396 alleles in the general population (gnomAD v2.1.1), indicating it is not a common variant. This variant has been reported in the ClinVar database as a variant of uncertain significance by one submitter (ClinVar Variation ID: 3584621). Computational predictors suggest that the variant does not impact TTC21B function. Due to limited information, and based on ACMG/AMP guidelines for variant interpretation (Richards S et al., PMID: 25741868), the clinical significance of this variant is uncertain at this time.

Fulgent Genetics
Classification: Uncertain significance for Asphyxiating thoracic dystrophy 4; Nephronophthisis 12. Last evaluated: 2024-04-01. Review status: criteria provided, single submitter. Criteria: ACMG Guidelines, 2015. Collection method: clinical testing. Allele origin: germline.